The following is an entry in ClinVar:

ClinVar aggregate classification (germline): Uncertain significance (1 of 4 stars; one submission).

Submission:

Labcorp Genetics (formerly Invitae), Labcorp
Classification: Uncertain significance. Last evaluated: 2020-12-10. Review status: criteria provided, single submitter. Criteria: Invitae Variant Classification Sherloc (09022015). Collection method: clinical testing. Allele origin: germline.
Comment: In summary, the available evidence is currently insufficient to determine the role of this variant in disease. Therefore, it has been classified as a Variant of Uncertain Significance. Advanced modeling of protein sequence and biophysical properties (such as structural, functional, and spatial information, amino acid conservation, physicochemical variation, residue mobility, and thermodynamic stability) performed at Invitae indicates that this missense variant is expected to disrupt ACO2 protein function. This variant has not been reported in the literature in individuals with ACO2-related conditions. This variant is not present in population databases (ExAC no frequency). This sequence change replaces serine with leucine at codon 243 of the ACO2 protein (p.Ser243Leu). The serine residue is highly conserved and there is a large physicochemical difference between serine and leucine.

NM_001098.3(ACO2):c.728C>T (p.Ser243Leu)

Gene: ACO2 (aconitase 2; plus strand). Cytogenetic location: 22q13.2.
Variant type: single nucleotide variant.
Coding change: c.728C>T on transcript NM_001098.3 (MANE Select); coding-DNA position 728, C replaced by T.
Protein change: p.Ser243Leu; replaces serine 243 with leucine.
Molecular consequence: missense variant.
Genome position (GRCh38, 1-based): chr22:41,515,810, C>T. VCF-style: chr22-41515810-C-T. GRCh37 (hg19) VCF-style: chr22-41911814-C-T.
Other names: short protein forms S243L.
Identifiers: ClinVar variation 1001600 (VCV001001600.8), dbSNP rs2066471787, ClinGen allele CA411719947.